The following is an entry in ClinVar:

NM_006922.4(SCN3A):c.2290C>T (p.Leu764Phe)

Gene: SCN3A (sodium voltage-gated channel alpha subunit 3; minus strand). Cytogenetic location: 2q24.3.
Variant type: single nucleotide variant.
Coding change: c.2290C>T on transcript NM_006922.4 (MANE Select); coding-DNA position 2290, C replaced by T.
Protein change: p.Leu764Phe; replaces leucine 764 with phenylalanine.
Molecular consequence: missense variant.
Genome position (GRCh38, 1-based): chr2:165,137,980, G>A on the plus strand (C>T on the coding strand, the complement: SCN3A is on the minus strand). VCF-style: chr2-165137980-G-A. GRCh37 (hg19) VCF-style: chr2-165994490-G-A.
Other names: c.2143C>T, p.Leu715Phe (NM_001081676.2, NM_001081677.2); short protein forms L715F, L764F.
Identifiers: ClinVar variation 2428289 (VCV002428289.6), dbSNP rs1173899350, ClinGen allele CA349045164.

ClinVar aggregate classification (germline): Uncertain significance (1 of 4 stars; one submission).

Allele frequency attached by ClinVar (database versions not stated): TOPMed below 0.00001.

Submission:

Labcorp Genetics (formerly Invitae), Labcorp
Classification: Uncertain significance. Last evaluated: 2022-09-27. Review status: criteria provided, single submitter. Criteria: Invitae Variant Classification Sherloc (09022015). Collection method: clinical testing. Allele origin: germline.
Comment: This variant has not been reported in the literature in individuals affected with SCN3A-related conditions. This variant is present in population databases (no rsID available, gnomAD no frequency). This sequence change replaces leucine, which is neutral and non-polar, with phenylalanine, which is neutral and non-polar, at codon 764 of the SCN3A protein (p.Leu764Phe). Advanced modeling of protein sequence and biophysical properties (such as structural, functional, and spatial information, amino acid conservation, physicochemical variation, residue mobility, and thermodynamic stability) has been performed at Invitae for this missense variant, however the output from this modeling did not meet the statistical confidence thresholds required to predict the impact of this variant on SCN3A protein function. In summary, the available evidence is currently insufficient to determine the role of this variant in disease. Therefore, it has been classified as a Variant of Uncertain Significance.